The following is an entry in ClinVar:

NM_001128205.2(SULF1):c.2129A>G (p.Asp710Gly)

Gene: SULF1 (sulfatase 1; plus strand). Cytogenetic location: 8q13.3.
Variant type: single nucleotide variant.
Coding change: c.2129A>G on transcript NM_001128205.2 (MANE Select); coding-DNA position 2129, A replaced by G.
Protein change: p.Asp710Gly; replaces aspartic acid 710 with glycine.
Molecular consequence: missense variant. On other transcripts: non-coding transcript variant (3).
Genome position (GRCh38, 1-based): chr8:69,629,524, A>G. VCF-style: chr8-69629524-A-G. GRCh37 (hg19) VCF-style: chr8-70541759-A-G.
Other names: c.2129A>G, p.Asp710Gly (NM_001412831.1, NM_001412833.1, NM_001412834.1 and 10 more transcripts); c.2000A>G, p.Asp667Gly (NM_001412832.1, NM_001412838.1, NM_001412839.1 and 1 more transcripts); c.2072A>G, p.Asp691Gly (NM_001412836.1, NM_001412837.1); c.1943A>G, p.Asp648Gly (NM_001412841.1, NM_001412842.1); c.1529A>G, p.Asp510Gly (NM_001412844.1, NM_001412845.1); c.338A>G, p.Asp113Gly (NM_001412846.1); short protein forms D667G, D691G, D648G, D113G, D510G, D710G.
Identifiers: ClinVar variation 2104383 (VCV002104383.4), dbSNP rs2537385306, ClinGen allele CA371230818.

ClinVar aggregate classification (germline): Uncertain significance (1 of 4 stars; one submission).

Submission:

Labcorp Genetics (formerly Invitae), Labcorp
Classification: Uncertain significance. Last evaluated: 2023-08-04. Review status: criteria provided, single submitter. Criteria: Invitae Variant Classification Sherloc (09022015). Collection method: clinical testing. Allele origin: germline.
Comment: In summary, the available evidence is currently insufficient to determine the role of this variant in disease. Therefore, it has been classified as a Variant of Uncertain Significance. An algorithm developed to predict the effect of missense changes on protein structure and function (PolyPhen-2) suggests that this variant is likely to be tolerated. ClinVar contains an entry for this variant (Variation ID: 2104383). This variant has not been reported in the literature in individuals affected with SULF1-related conditions. This variant is not present in population databases (gnomAD no frequency). This sequence change replaces aspartic acid, which is acidic and polar, with glycine, which is neutral and non-polar, at codon 710 of the SULF1 protein (p.Asp710Gly).